The following is an entry in ClinVar:

ClinVar aggregate classification (germline): Pathogenic (1 of 4 stars; one submission).

Conditions:
Gastrointestinal stromal tumor. Also called: Gastrointestinal stroma tumor; Gastrointestinal stromal tumor, somatic. Identifiers: Orphanet 44890, MedGen C0238198, MeSH D046152, MONDO:0011719, OMIM 606764, HP:0100723.
Pheochromocytoma/paraganglioma syndrome 4. Also called: CAROTID BODY TUMORS AND MULTIPLE EXTRAADRENAL PHEOCHROMOCYTOMAS; SDHB-Related Hereditary Paraganglioma-Pheochromocytoma Syndrome; PARAGANGLIOMA, FAMILIAL MALIGNANT; PARAGANGLIOMAS, HEREDITARY EXTRAADRENAL; PHEOCHROMOCYTOMA, FAMILIAL EXTRAADRENAL; Paragangliomas 4. Identifiers: Orphanet 29072, MedGen C1861848, MONDO:0007273, OMIM 115310.
Pheochromocytoma. Also called: MAX-Related Hereditary Paraganglioma-Pheochromocytoma Syndrome. Identifiers: Orphanet 29072, MedGen C0031511, MONDO:0008233, OMIM 171300, HP:0002666.

Submission:

Labcorp Genetics (formerly Invitae), Labcorp
Classification: Pathogenic for Gastrointestinal stromal tumor; Pheochromocytoma/paraganglioma syndrome 4; Pheochromocytoma. Last evaluated: 2021-03-14. Review status: criteria provided, single submitter. Criteria: Invitae Variant Classification Sherloc (09022015). Collection method: clinical testing. Allele origin: germline.
Comment: This variant has not been reported in the literature in individuals with SDHB-related conditions. This sequence change creates a premature translational stop signal (p.Tyr150*) in the SDHB gene. It is expected to result in an absent or disrupted protein product. Loss-of-function variants in SDHB are known to be pathogenic (PMID: 19454582, 19802898). This variant is not present in population databases (ExAC no frequency). For these reasons, this variant has been classified as Pathogenic.

Literature cited by the submitters: PubMed 19454582; PubMed 19802898.

NM_003000.3(SDHB):c.450C>G (p.Tyr150Ter)

Gene: SDHB (succinate dehydrogenase complex iron sulfur subunit B; minus strand). Cytogenetic location: 1p36.13.
Variant type: single nucleotide variant.
Coding change: c.450C>G on transcript NM_003000.3 (MANE Select); coding-DNA position 450, C replaced by G.
Protein change: p.Tyr150Ter; replaces tyrosine 150 with a stop codon.
Molecular consequence: nonsense.
Genome position (GRCh38, 1-based): chr1:17,027,839, G>C on the plus strand (C>G on the coding strand, the complement: SDHB is on the minus strand). VCF-style: chr1-17027839-G-C. GRCh37 (hg19) VCF-style: chr1-17354334-G-C.
Other names: short protein forms Y150*.
Identifiers: ClinVar variation 1443907 (VCV001443907.6), dbSNP rs2101521812, ClinGen allele CA338273181.